The following is an entry in ClinVar:

NM_004526.4(MCM2):c.2004C>T (p.Asp668=)

Gene: MCM2 (minichromosome maintenance complex component 2; plus strand). Cytogenetic location: 3q21.3.
Variant type: single nucleotide variant.
Coding change: c.2004C>T on transcript NM_004526.4 (MANE Select); coding-DNA position 2004, C replaced by T.
Protein change: p.Asp668=; no amino-acid change (aspartic acid 668 retained).
Molecular consequence: synonymous variant. On other transcripts: non-coding transcript variant (1).
Genome position (GRCh38, 1-based): chr3:127,618,072, C>T. VCF-style: chr3-127618072-C-T. GRCh37 (hg19) VCF-style: chr3-127336915-C-T.
Identifiers: ClinVar variation 1317287 (VCV001317287.10), dbSNP rs778483309, ClinGen allele CA2596080.
Genomic context (GRCh38, chr3:127,618,072, plus strand): 5'-CCTCACAGAGCCCATCATCTCACGCTTTGACATCCTGTGTGTGGTGAGGGACACCGTGGA[C>T]CCAGTCCAGGTATAGCTCACATGTGCCCGGTTTCCATGAACTGTGGTTTGGGGACCTCAG-3'
Protein context (NP_004517.2, residues 658-678): DILCVVRDTV[Asp668=]PVQDEMLARF

ClinVar aggregate classification (germline): Likely benign. Review status: criteria provided, multiple submitters, no conflicts (2 of 4 stars). 3 submissions from 3 submitters: Likely benign (3). Last evaluated 2026-05-08.

Conditions:
MCM2-related disorder. Also called: MCM2-related condition.

Allele frequency attached by ClinVar (database versions not stated): gnomAD 0.00001; TOPMed 0.00005; ExAC 0.00011; gnomAD exomes 0.00015.

Submissions (3):

PreventionGenetics, part of Exact Sciences
Classification: Likely benign for MCM2-related condition. Last evaluated: 2026-05-08. Review status: criteria provided, single submitter. Criteria: ACMG Guidelines, 2015. Collection method: clinical testing. Allele origin: germline.
Comment: This variant is classified as likely benign based on ACMG/AMP sequence variant interpretation guidelines (Richards et al. 2015 PMID: 25741868, with internal and published modifications).

Labcorp Genetics (formerly Invitae), Labcorp
Classification: Likely benign. Last evaluated: 2025-12-28. Review status: criteria provided, single submitter. Criteria: Invitae Variant Classification Sherloc (09022015). Collection method: clinical testing. Allele origin: germline.

GeneDx
Classification: Likely benign. Last evaluated: 2020-06-16. Review status: criteria provided, single submitter. Criteria: GeneDx Variant Classification Process June 2021. Collection method: clinical testing. Allele origin: germline. Affected: yes.